The following is an entry in ClinVar:

NM_002430.3(MN1):c.1444C>G (p.Leu482Val)

Gene: MN1 (MN1 proto-oncogene, transcriptional regulator; minus strand). Cytogenetic location: 22q12.1.
Variant type: single nucleotide variant.
Coding change: c.1444C>G on transcript NM_002430.3 (MANE Select); coding-DNA position 1444, C replaced by G.
Protein change: p.Leu482Val; replaces leucine 482 with valine.
Molecular consequence: missense variant.
Genome position (GRCh38, 1-based): chr22:27,799,100, G>C on the plus strand (C>G on the coding strand, the complement: MN1 is on the minus strand). VCF-style: chr22-27799100-G-C. GRCh37 (hg19) VCF-style: chr22-28195088-G-C.
Other names: short protein forms L482V.
Identifiers: ClinVar variation 2502067 (VCV002502067.1), dbSNP rs773351256, ClinGen allele CA411048302.

ClinVar aggregate classification (germline): Uncertain significance (1 of 4 stars; one submission).

gnomAD v4.1: 1 of 1,605,296 alleles (0.000062%); no homozygotes.

Submission:

GeneDx
Classification: Uncertain significance. Last evaluated: 2022-11-12. Review status: criteria provided, single submitter. Criteria: GeneDx Variant Classification Process June 2021. Collection method: clinical testing. Allele origin: germline. Affected: yes.
Comment: Not observed at significant frequency in large population cohorts (gnomAD); In silico analysis supports that this missense variant does not alter protein structure/function; Has not been previously published as pathogenic or benign to our knowledge